The following is an entry in ClinVar:

NM_022367.4(SEMA4A):c.332G>A (p.Ser111Asn)

Gene: SEMA4A (semaphorin 4A; plus strand). Cytogenetic location: 1q22.
Variant type: single nucleotide variant.
Coding change: c.332G>A on transcript NM_022367.4 (MANE Select); coding-DNA position 332, G replaced by A.
Protein change: p.Ser111Asn; replaces serine 111 with asparagine.
Molecular consequence: missense variant. On other transcripts: 5 prime UTR variant (2).
Genome position (GRCh38, 1-based): chr1:156,158,101, G>A. VCF-style: chr1-156158101-G-A. GRCh37 (hg19) VCF-style: chr1-156127892-G-A.
Other names: c.332G>A, p.Ser111Asn (NM_001193300.2, NM_001193301.2, NM_001370567.1); c.35G>A, p.Ser12Asn (NM_001193302.2, NM_001370568.1); c.-193G>A (NM_001370569.1, NM_001370571.1); short protein forms S111N, S12N.
Identifiers: ClinVar variation 1879096 (VCV001879096.35), dbSNP rs375988988, ClinGen allele CA1154999.

ClinVar aggregate classification (germline): Uncertain significance. Review status: criteria provided, multiple submitters, no conflicts (2 of 4 stars). 5 submissions from 4 submitters: Uncertain significance (5). Last evaluated 2025-10-14.

Conditions:
Cone-rod dystrophy 10 (CORD10). Identifiers: Orphanet 1872, MedGen C1846529, MONDO:0012464, OMIM 610283.
Retinitis pigmentosa 35 (RP35). Identifiers: Orphanet 791, MedGen C1853214, MONDO:0012463, OMIM 610282.

Allele frequency attached by ClinVar (database versions not stated): gnomAD 0.00001; gnomAD exomes 0.00001; TOPMed 0.00002; ExAC 0.00003; ESP Exome Variant Server 0.00008.
gnomAD v4.1: 20 of 1,614,092 alleles (0.0012%); highest among the groups gnomAD compares: Non-Finnish European, 0.0015%; no homozygotes.

Submissions (5):

Labcorp Genetics (formerly Invitae), Labcorp
Classification: Uncertain significance. Last evaluated: 2025-10-14. Review status: criteria provided, single submitter. Criteria: Invitae Variant Classification Sherloc (09022015). Collection method: clinical testing. Allele origin: germline.
Comment: This sequence change replaces serine, which is neutral and polar, with asparagine, which is neutral and polar, at codon 111 of the SEMA4A protein (p.Ser111Asn). This variant is present in population databases (rs375988988, gnomAD 0.006%). This variant has not been reported in the literature in individuals affected with SEMA4A-related conditions. ClinVar contains an entry for this variant (Variation ID: 1879096). Invitae Evidence Modeling of protein sequence and biophysical properties (such as structural, functional, and spatial information, amino acid conservation, physicochemical variation, residue mobility, and thermodynamic stability) indicates that this missense variant is not expected to disrupt SEMA4A protein function with a negative predictive value of 80%. In summary, the available evidence is currently insufficient to determine the role of this variant in disease. Therefore, it has been classified as a Variant of Uncertain Significance.

Blueprint Genetics
Classification: Uncertain significance. Last evaluated: 2024-10-07. Review status: criteria provided, single submitter. Criteria: ACMG Guidelines, 2015. Collection method: clinical testing. Allele origin: germline.

Genome-Nilou Lab
Classification: Uncertain significance for Cone-rod dystrophy 10. Last evaluated: 2023-04-11. Review status: criteria provided, single submitter. Criteria: ACMG Guidelines, 2015. Collection method: clinical testing. Allele origin: germline. Affected: no.

Genome-Nilou Lab
Classification: Uncertain significance for Retinitis pigmentosa 35. Last evaluated: 2023-04-11. Review status: criteria provided, single submitter. Criteria: ACMG Guidelines, 2015. Collection method: clinical testing. Allele origin: germline. Affected: no.

CeGaT Center for Human Genetics Tuebingen
Classification: Uncertain significance. Last evaluated: 2022-12-01. Review status: criteria provided, single submitter. Criteria: CeGaT Center For Human Genetics Tuebingen Variant Classification Criteria Version 2. Collection method: clinical testing. Allele origin: germline. Affected: yes. Observed: 1 variant allele.
Comment: SEMA4A: PM2, BP4